The following is an entry in ClinVar:

NM_000540.3(RYR1):c.11315G>T (p.Arg3772Leu)

Gene: RYR1 (ryanodine receptor 1; plus strand). Cytogenetic location: 19q13.2.
Variant type: single nucleotide variant.
Coding change: c.11315G>T on transcript NM_000540.3 (MANE Select); coding-DNA position 11315, G replaced by T.
Protein change: p.Arg3772Leu; replaces arginine 3772 with leucine.
Molecular consequence: missense variant.
Genome position (GRCh38, 1-based): chr19:38,534,775, G>T. VCF-style: chr19-38534775-G-T. GRCh37 (hg19) VCF-style: chr19-39025415-G-T.
Other names: c.11300G>T, p.Arg3767Leu (NM_001042723.2); short protein forms R3772L, R3767L.
Identifiers: ClinVar variation 808566 (VCV000808566.41), dbSNP rs193922839, ClinGen allele CA405654722.

ClinVar aggregate classification (germline): Conflicting classifications of pathogenicity. Review status: criteria provided, conflicting classifications (1 of 4 stars). 3 submissions from 3 submitters: Likely pathogenic (2); Uncertain significance (1). Last evaluated 2025-02-02.

Conditions:
Malignant hyperthermia, susceptibility to, 1 (MHS1). Also called: Malignant hyperthermia suceptibility 1; RYR1-Related Malignant Hyperthermia Susceptibility; Anesthesia related hyperthermia; Malignant hyperpyrexia; Fulminating hyperpyrexia; Pharmacogenic myopathy. Identifiers: Orphanet 423, MedGen C2930980, MONDO:0007783, OMIM 145600.
RYR1-related disorder. Also called: RYR1-related condition; RYR1-related disorders. Identifiers: MedGen CN239331.

gnomAD v4.1: 3 of 1,613,648 alleles (0.00019%); highest among the groups gnomAD compares: Non-Finnish European, 0.00025%; no homozygotes.

Submissions (3):

Labcorp Genetics (formerly Invitae), Labcorp
Classification: Likely pathogenic for RYR1-related disorder. Last evaluated: 2025-02-02. Review status: criteria provided, single submitter. Criteria: Invitae Variant Classification Sherloc (09022015). Collection method: clinical testing. Allele origin: germline.
Comment: This sequence change replaces arginine, which is basic and polar, with leucine, which is neutral and non-polar, at codon 3772 of the RYR1 protein (p.Arg3772Leu). This variant is not present in population databases (gnomAD no frequency). This variant has not been reported in the literature in individuals affected with RYR1-related conditions. ClinVar contains an entry for this variant (Variation ID: 808566). Invitae Evidence Modeling of protein sequence and biophysical properties (such as structural, functional, and spatial information, amino acid conservation, physicochemical variation, residue mobility, and thermodynamic stability) indicates that this missense variant is expected to disrupt RYR1 protein function with a positive predictive value of 80%. This variant disrupts the p.Arg3772Gln amino acid residue in RYR1. Other variant(s) that disrupt this residue have been determined to be pathogenic (PMID: 17483490, 19645060). This suggests that this residue is clinically significant, and that variants that disrupt this residue are likely to be disease-causing. In summary, the currently available evidence indicates that the variant is pathogenic, but additional data are needed to prove that conclusively. Therefore, this variant has been classified as Likely Pathogenic.

All of Us Research Program, National Institutes of Health
Classification: Uncertain significance for Malignant hyperthermia, susceptibility to, 1. Last evaluated: 2024-03-24. Review status: criteria provided, single submitter. Criteria: ACMG Guidelines, 2015. Collection method: clinical testing. Allele origin: germline. Inheritance: Autosomal dominant inheritance. Observed: 1 variant allele, 1 heterozygote.
Comment: This missense variant replaces arginine with leucine at codon 3772 of the RYR1 protein. Computational prediction suggests that this variant may have deleterious impact on protein structure and function. To our knowledge, functional studies have not been reported for this variant. This variant has not been reported in individuals affected with RYR1-related disorders in the literature. This variant has not been identified in the general population by the Genome Aggregation Database (gnomAD). A different variant affecting the same codon, c.11315G>A (p.Arg3772Gln), is considered to be pathogenic (ClinVar Variation ID: 133012), indicating that the arginine at this position is important for RYR1 function. The available evidence is insufficient to determine the role of this variant in disease conclusively. Therefore, this variant is classified as a Variant of Uncertain Significance.

This study involves interpretation of variants in research participants for the purpose of population health screening. Participant phenotype was not available at the time of variant classification. Additional details can be found in publication PMID: 35346344, PMCID: PMC8962531

CeGaT Center for Human Genetics Tuebingen
Classification: Likely pathogenic. Last evaluated: 2023-08-01. Review status: criteria provided, single submitter. Criteria: CeGaT Center For Human Genetics Tuebingen Variant Classification Criteria Version 2. Collection method: clinical testing. Allele origin: germline. Affected: yes. Observed: 1 variant allele.
Comment: RYR1: PM2, PM5, PM3:Supporting, PP3

Literature cited by the submitters: PubMed 17483490 (cited by Labcorp Genetics (formerly Invitae), Labcorp); PubMed 19645060 (cited by Labcorp Genetics (formerly Invitae), Labcorp).